The following is an entry in ClinVar:

NM_000540.3(RYR1):c.7154G>A (p.Arg2385His)

Gene: RYR1 (ryanodine receptor 1; plus strand). Cytogenetic location: 19q13.2.
Variant type: single nucleotide variant.
Coding change: c.7154G>A on transcript NM_000540.3 (MANE Select); coding-DNA position 7154, G replaced by A.
Protein change: p.Arg2385His; replaces arginine 2385 with histidine.
Molecular consequence: missense variant.
Genome position (GRCh38, 1-based): chr19:38,499,761, G>A. VCF-style: chr19-38499761-G-A. GRCh37 (hg19) VCF-style: chr19-38990401-G-A.
Other names: c.7154G>A, p.Arg2385His (NM_001042723.2); c.7154G>A (NM_000540.2); short protein forms R2385H.
Identifiers: ClinVar variation 1015752 (VCV001015752.13), dbSNP rs768343466, ClinGen allele CA069189.
Genomic context (GRCh38, chr19:38,499,761, plus strand): 5'-GACCCGCCCTGCGGGGTGAGGGTGGCTCAGGGCTGCTGGCTGCCATCGAAGAGGCCATCC[G>A]CATCTCCGAGGACCCTGCGAGGGATGGCCCAGGCATCCGCAGGGACCGGCGGCGCGAGCA-3'
Protein context (NP_000531.2, residues 2375-2395): GLLAAIEEAI[Arg2385His]ISEDPARDGP

ClinVar aggregate classification (germline): Uncertain significance. Review status: criteria provided, multiple submitters, no conflicts (2 of 4 stars). 6 submissions from 6 submitters: Uncertain significance (6). Last evaluated 2025-09-22.

Conditions:
RYR1-related disorder. Also called: RYR1-related disorders; RYR1-related condition. Identifiers: MedGen CN239331.
Malignant hyperthermia, susceptibility to, 1 (MHS1). Also called: Malignant hyperthermia suceptibility 1; RYR1-Related Malignant Hyperthermia Susceptibility; Anesthesia related hyperthermia; Malignant hyperpyrexia; Fulminating hyperpyrexia; Pharmacogenic myopathy. Identifiers: Orphanet 423, MedGen C2930980, MONDO:0007783, OMIM 145600.
Congenital myopathy with fiber type disproportion. Also called: Congenital fiber-type disproportion myopathy; Congenital fiber-type disproportion. Identifiers: Orphanet 2020, MedGen C0546264, MONDO:0009711. Inheritance: all.
Central core myopathy (CMYO1A). Also called: CONGENITAL MYOPATHY 1A, AUTOSOMAL DOMINANT, WITH SUSCEPTIBILITY TO MALIGNANT HYPERTHERMIA; Central core disease; Myopathy, central fibrillar. Identifiers: Orphanet 597, MedGen C5830701, MONDO:0007294, OMIM 117000.
Congenital multicore myopathy with external ophthalmoplegia (CMYO1B). Also called: Minicore myopathy with external ophthalmoplegia; MULTIMINICORE DISEASE WITH EXTERNAL OPHTHALMOPLEGIA; Congenital myopathy 1B, autosomal recessive; Minicore myopathy; MULTICORE MYOPATHY. Identifiers: Orphanet 598, Orphanet 98905, MedGen C1850674, MONDO:0009712, OMIM 255320, HP:0003789.
King Denborough syndrome (KDS). Identifiers: MedGen C1840365, MONDO:0020485, OMIM 619542.
Inborn genetic diseases. Identifiers: MedGen C0950123, MeSH D030342.

Allele frequency attached by ClinVar (database versions not stated): ExAC 0.00002; gnomAD 0.00002; gnomAD exomes 0.00002; TOPMed 0.00002.
gnomAD v4.1: 59 of 1,601,718 alleles (0.0037%); highest among the groups gnomAD compares: Non-Finnish European, 0.0049%; no homozygotes.

Submissions (6):

Labcorp Genetics (formerly Invitae), Labcorp
Classification: Uncertain significance for RYR1-related disorder. Last evaluated: 2025-09-22. Review status: criteria provided, single submitter. Criteria: Invitae Variant Classification Sherloc (09022015). Collection method: clinical testing. Allele origin: germline.
Comment: This sequence change replaces arginine, which is basic and polar, with histidine, which is basic and polar, at codon 2385 of the RYR1 protein (p.Arg2385His). This variant is present in population databases (rs768343466, gnomAD 0.006%). This variant has not been reported in the literature in individuals affected with RYR1-related conditions. ClinVar contains an entry for this variant (Variation ID: 1015752). Invitae Evidence Modeling of protein sequence and biophysical properties (such as structural, functional, and spatial information, amino acid conservation, physicochemical variation, residue mobility, and thermodynamic stability) indicates that this missense variant is not expected to disrupt RYR1 protein function with a negative predictive value of 80%. In summary, the available evidence is currently insufficient to determine the role of this variant in disease. Therefore, it has been classified as a Variant of Uncertain Significance.

GeneDx
Classification: Uncertain significance. Last evaluated: 2025-06-18. Review status: criteria provided, single submitter. Criteria: GeneDx Variant Classification Process June 2021. Collection method: clinical testing. Allele origin: germline. Affected: yes.
Comment: Not observed at significant frequency in large population cohorts (gnomAD); In silico analysis supports that this missense variant has a deleterious effect on protein structure/function; Has not been previously published as pathogenic or benign to our knowledge; This variant is associated with the following publications: (PMID: 12668474, 33767344)

Ambry Genetics
Classification: Uncertain significance for Inborn genetic diseases. Last evaluated: 2024-07-27. Review status: criteria provided, single submitter. Criteria: Ambry Variant Classification Scheme 2023. Collection method: clinical testing. Allele origin: germline.

Color Diagnostics, LLC DBA Color Health
Classification: Uncertain significance for Malignant hyperthermia, susceptibility to, 1. Last evaluated: 2024-02-06. Review status: criteria provided, single submitter. Criteria: ACMG Guidelines, 2015. Collection method: clinical testing. Allele origin: germline.
Comment: This missense variant replaces arginine with histidine at codon 2385 of the RYR1 protein. Computational prediction suggests that this variant may not impact protein structure and function. To our knowledge, functional studies have not been reported for this variant. This variant has not been reported in individuals affected with RYR1-related disorders in the literature. This variant has been identified in 5/234720 chromosomes in the general population by the Genome Aggregation Database (gnomAD). The available evidence is insufficient to determine the role of this variant in disease conclusively. Therefore, this variant is classified as a Variant of Uncertain Significance.

Fulgent Genetics
Classification: Uncertain significance for Central core myopathy; Malignant hyperthermia, susceptibility to, 1; Congenital myopathy 4A, autosomal dominant; Congenital multicore myopathy with external ophthalmoplegia; King Denborough syndrome. Last evaluated: 2021-10-25. Review status: criteria provided, single submitter. Criteria: ACMG Guidelines, 2015. Collection method: clinical testing. Allele origin: unknown.

Revvity Omics, Revvity
Classification: Uncertain significance. Last evaluated: 2019-04-19. Review status: criteria provided, single submitter. Criteria: ACMG Guidelines, 2015. Collection method: clinical testing. Allele origin: germline.